The following is an entry in ClinVar:

ClinVar aggregate classification (germline): Conflicting classifications of pathogenicity. Review status: criteria provided, conflicting classifications (1 of 4 stars). 7 submissions from 7 submitters: Uncertain significance (5); Likely benign (1). 1 of the submissions does not count toward it. Last evaluated 2024-09-15.

Conditions:
Peroxisome biogenesis disorder 2B (PBD2B). Identifiers: Orphanet 44, MedGen C3550234, MONDO:0008736, OMIM 202370.
PEX5-related disorder. Also called: PEX5-Related Disorders; PEX5-related condition.
Inborn genetic diseases. Identifiers: MedGen C0950123, MeSH D030342.

Allele frequency attached by ClinVar (database versions not stated): 1000 Genomes Project 30x 0.00031; 1000 Genomes Project 0.00040; gnomAD exomes 0.00001 and 0.00003; ExAC 0.00005; gnomAD 0.00015 and 0.00017; TOPMed 0.00015.
gnomAD v4.1: 58 of 1,614,198 alleles (0.0036%); highest among the groups gnomAD compares: African/African-American, 0.047%; no homozygotes.

Submissions (7):

Women's Health and Genetics/Laboratory Corporation of America, LabCorp
Classification: Uncertain significance. Last evaluated: 2024-09-15. Review status: criteria provided, single submitter. Criteria: LabCorp Variant Classification Summary - May 2015. Collection method: clinical testing. Allele origin: germline.

Blueprint Genetics
Classification: Likely benign. Last evaluated: 2023-06-02. Review status: criteria provided, single submitter. Criteria: ACMG Guidelines, 2015. Collection method: clinical testing. Allele origin: germline.

Revvity Omics, Revvity
Classification: Uncertain significance. Last evaluated: 2023-01-24. Review status: criteria provided, single submitter. Criteria: ACMG Guidelines, 2015. Collection method: clinical testing. Allele origin: germline.

Labcorp Genetics (formerly Invitae), Labcorp
Classification: Uncertain significance for Peroxisome biogenesis disorder 2B. Last evaluated: 2022-10-17. Review status: criteria provided, single submitter. Criteria: Invitae Variant Classification Sherloc (09022015). Collection method: clinical testing. Allele origin: germline.
Comment: This sequence change falls in intron 4 of the PEX5 gene. It does not directly change the encoded amino acid sequence of the PEX5 protein. It affects a nucleotide within the consensus splice site. This variant is present in population databases (rs200776790, gnomAD 0.04%). This variant has not been reported in the literature in individuals affected with PEX5-related conditions. ClinVar contains an entry for this variant (Variation ID: 594066). Variants that disrupt the consensus splice site are a relatively common cause of aberrant splicing (PMID: 17576681, 9536098). Algorithms developed to predict the effect of sequence changes on RNA splicing suggest that this variant is not likely to affect RNA splicing. In summary, the available evidence is currently insufficient to determine the role of this variant in disease. Therefore, it has been classified as a Variant of Uncertain Significance.

Ambry Genetics
Classification: Uncertain significance for Inborn genetic diseases. Last evaluated: 2022-01-21. Review status: criteria provided, single submitter. Criteria: Ambry Variant Classification Scheme 2023. Collection method: clinical testing. Allele origin: germline.
Comment: The c.316+3G>A intronic alteration consists of a G to A substitution 3 nucleotides after exon 4 (coding exon 3) of the PEX5 gene. Based on insufficient or conflicting evidence, the clinical significance of this alteration remains unclear.

Eurofins Ntd Llc (ga)
Classification: Uncertain significance. Last evaluated: 2018-04-12. Review status: criteria provided, single submitter. Criteria: EGL ClinVar v180209 classification definitions. Collection method: clinical testing. Allele origin: germline. Observed: 4 variant alleles, 4 heterozygotes.

PreventionGenetics, part of Exact Sciences
Classification: Likely benign for PEX5-related condition. Last evaluated: 2021-10-27. Review status: no assertion criteria provided. Collection method: clinical testing. Allele origin: germline. Not counted in ClinVar's aggregate classification.
Comment: This variant is classified as likely benign based on ACMG/AMP sequence variant interpretation guidelines (Richards et al. 2015 PMID: 25741868, with internal and published modifications).

Literature cited by the submitters: PubMed 17576681 (cited by Labcorp Genetics (formerly Invitae), Labcorp); PubMed 9536098 (cited by Labcorp Genetics (formerly Invitae), Labcorp).

NM_001351132.2(PEX5):c.316+3G>A

Gene: PEX5 (peroxisomal biogenesis factor 5; plus strand). Cytogenetic location: 12p13.31.
Variant type: single nucleotide variant.
Coding change: c.316+3G>A on transcript NM_001351132.2 (MANE Select); 3 bases into the intron after coding-DNA position 316, G replaced by A.
Molecular consequence: intron variant.
Genome position (GRCh38, 1-based): chr12:7,191,361, G>A. VCF-style: chr12-7191361-G-A. GRCh37 (hg19) VCF-style: chr12-7343957-G-A.
Other names: c.316+3G>A (NM_001351124.3, NM_001131026.2, NM_001351131.2 and 19 more transcripts); c.361+3G>A (NM_001351135.3, NM_001131023.2, NM_001351138.2).
Identifiers: ClinVar variation 594066 (VCV000594066.16), dbSNP rs200776790, ClinGen allele CA6426084.